The following is an entry in ClinVar:

ClinVar aggregate classification (germline): Pathogenic. Review status: criteria provided, multiple submitters, no conflicts (2 of 4 stars). 2 submissions from 2 submitters: Pathogenic (2). Last evaluated 2025-03-06.

Conditions:
Hereditary cancer-predisposing syndrome. Also called: Hereditary Cancer Syndrome; Hereditary neoplastic syndrome; Neoplastic Syndromes, Hereditary; Tumor predisposition. Identifiers: Orphanet 140162, MedGen C0027672, MeSH D009386, MONDO:0015356.
Familial adenomatous polyposis 1 (FAP1). Also called: FAMILIAL ADENOMATOUS POLYPOSIS 1, ATTENUATED; POLYPOSIS, ADENOMATOUS INTESTINAL. Identifiers: MedGen C2713442, MONDO:0021056, OMIM 175100. Disease mechanism: loss of function.

Submissions (2):

Labcorp Genetics (formerly Invitae), Labcorp
Classification: Pathogenic for Familial adenomatous polyposis 1. Last evaluated: 2025-03-06. Review status: criteria provided, single submitter. Criteria: Invitae Variant Classification Sherloc (09022015). Collection method: clinical testing. Allele origin: germline.
Comment: This sequence change creates a premature translational stop signal (p.Ile1580Phefs*70) in the APC gene. While this is not anticipated to result in nonsense mediated decay, it is expected to disrupt the last 1264 amino acid(s) of the APC protein. This variant is not present in population databases (gnomAD no frequency). This variant has not been reported in the literature in individuals affected with APC-related conditions. ClinVar contains an entry for this variant (Variation ID: 1742748). This variant disrupts a region of the APC protein in which other variant(s) (p.Tyr2645Lysfs*14) have been determined to be pathogenic (PMID: 1316610, 8381579, 9824584, 15311282, 17293347, 22135120, 27081525). This suggests that this is a clinically significant region of the protein, and that variants that disrupt it are likely to be disease-causing. For these reasons, this variant has been classified as Pathogenic.

Ambry Genetics
Classification: Pathogenic for Hereditary cancer-predisposing syndrome. Last evaluated: 2019-11-21. Review status: criteria provided, single submitter. Criteria: Ambry Variant Classification Scheme 2023. Collection method: clinical testing. Allele origin: germline.
Comment: The c.4737delT pathogenic mutation, located in coding exon 15 of the APC gene, results from a deletion of one nucleotide at nucleotide position 4737, causing a translational frameshift with a predicted alternate stop codon (p.I1580Ffs*70). This alteration is expected to result in loss of function by premature protein truncation or nonsense-mediated mRNA decay. As such, this alteration is interpreted as a disease-causing mutation.

Literature cited by the submitters: PubMed 1316610 (cited by Labcorp Genetics (formerly Invitae), Labcorp); PubMed 8381579 (cited by Labcorp Genetics (formerly Invitae), Labcorp); PubMed 9824584 (cited by Labcorp Genetics (formerly Invitae), Labcorp); PubMed 15311282 (cited by Labcorp Genetics (formerly Invitae), Labcorp); PubMed 17293347 (cited by Labcorp Genetics (formerly Invitae), Labcorp); PubMed 22135120 (cited by Labcorp Genetics (formerly Invitae), Labcorp); PubMed 27081525 (cited by Labcorp Genetics (formerly Invitae), Labcorp).

NM_000038.6(APC):c.4737del (p.Ile1580fs)

Gene: APC (APC regulator of Wnt signaling pathway; plus strand). Cytogenetic location: 5q22.2.
Variant type: Deletion.
Coding change: c.4737del on transcript NM_000038.6 (MANE Select); coding-DNA position 4737, one base deleted (T; older notation c.4737delT).
Protein change: p.Ile1580fs; shifts the reading frame from isoleucine 1580.
Molecular consequence: frameshift variant.
Genome position (GRCh38, 1-based): chr5:112,840,331, T deleted; the last of 2 consecutive T bases (chr5:112,840,330-112,840,331); deleting either gives the same sequence. VCF-style (leftmost placement, unchanged base first): chr5-112840329-AT-A. GRCh37 (hg19) VCF-style: chr5-112176026-AT-A.
Other names: c.4737del, p.Ile1580fs (NM_001127510.3, NM_001354895.2); c.4683del, p.Ile1562fs (NM_001127511.3); c.4791del, p.Ile1598fs (NM_001354896.2); c.4767del, p.Ile1590fs (NM_001354897.2); c.4662del, p.Ile1555fs (NM_001354898.2); c.4653del, p.Ile1552fs (NM_001354899.2); c.4614del, p.Ile1539fs (NM_001354900.2); c.4560del, p.Ile1521fs (NM_001354901.2); and 16 more; short protein forms I1521fs, I1552fs, I1590fs, I1454fs, I1539fs, I1598fs, I1297fs, I1479fs.
Identifiers: ClinVar variation 1742748 (VCV001742748.5), dbSNP rs1114167587, ClinGen allele CA2580072560.